The following is an entry in ClinVar:

NM_015570.4(AUTS2):c.1036C>T (p.Pro346Ser)

Gene: AUTS2 (activator of transcription and developmental regulator AUTS2; plus strand). Cytogenetic location: 7q11.22.
Variant type: single nucleotide variant.
Coding change: c.1036C>T on transcript NM_015570.4 (MANE Select); coding-DNA position 1036, C replaced by T.
Protein change: p.Pro346Ser; replaces proline 346 with serine.
Molecular consequence: missense variant.
Genome position (GRCh38, 1-based): chr7:70,763,163, C>T. VCF-style: chr7-70763163-C-T. GRCh37 (hg19) VCF-style: chr7-70228149-C-T.
Other names: c.1036C>T, p.Pro346Ser (NM_001127231.3); short protein forms P346S.
Identifiers: ClinVar variation 1304349 (VCV001304349.6), dbSNP rs1005352416, ClinGen allele CA160022879.

ClinVar aggregate classification (germline): Uncertain significance. Review status: criteria provided, multiple submitters, no conflicts (2 of 4 stars). 2 submissions from 2 submitters: Uncertain significance (2). Last evaluated 2025-08-09.

Conditions:
Inborn genetic diseases. Identifiers: MedGen C0950123, MeSH D030342.

Allele frequency attached by ClinVar (database versions not stated): TOPMed below 0.00001.

Submissions (2):

Ambry Genetics
Classification: Uncertain significance for Inborn genetic diseases. Last evaluated: 2025-08-09. Review status: criteria provided, single submitter. Criteria: Ambry Variant Classification Scheme 2023. Collection method: clinical testing. Allele origin: germline.

GeneDx
Classification: Uncertain significance. Last evaluated: 2022-12-12. Review status: criteria provided, single submitter. Criteria: GeneDx Variant Classification Process June 2021. Collection method: clinical testing. Allele origin: germline. Affected: yes.
Comment: Not observed in large population cohorts (gnomAD); In silico analysis supports that this missense variant does not alter protein structure/function; Has not been previously published as pathogenic or benign to our knowledge